The following is an entry in ClinVar:

ClinVar aggregate classification (germline): Uncertain significance. Review status: criteria provided, multiple submitters, no conflicts (2 of 4 stars). 2 submissions from 2 submitters: Uncertain significance (2). Last evaluated 2026-07-23.

Conditions:
VWF-related disorder. Also called: VWF-related disorders; VWF-related condition.

gnomAD v4.1: 10 of 1,613,756 alleles (0.00062%); highest among the groups gnomAD compares: African/African-American, 0.011%; no homozygotes.

Submissions (2):

PreventionGenetics, part of Exact Sciences
Classification: Uncertain significance for VWF-related condition. Last evaluated: 2026-07-23. Review status: criteria provided, single submitter. Criteria: ACMG Guidelines, 2015. Collection method: clinical testing. Allele origin: germline.
Comment: The VWF c.4285G>A variant is predicted to result in the amino acid substitution p.Glu1429Lys. To our knowledge, this variant has not been reported in the literature. This variant is reported in 0.012% of alleles in individuals of African descent in gnomAD. At this time, the clinical significance of this variant is uncertain due to the absence of conclusive functional and genetic evidence.

Women's Health and Genetics/Laboratory Corporation of America, LabCorp
Classification: Uncertain significance. Last evaluated: 2024-09-04. Review status: criteria provided, single submitter. Criteria: LabCorp Variant Classification Summary - May 2015. Collection method: clinical testing. Allele origin: germline.
Comment: Variant summary: VWF c.4285G>A (p.Glu1429Lys) results in a conservative amino acid change located in the von Willebrand factor, type A domain (IPR002035) of the encoded protein sequence. Four of five in-silico tools predict a damaging effect of the variant on protein function. The variant allele was found at a frequency of 8e-06 in 251114 control chromosomes. The available data on variant occurrences in the general population are insufficient to allow any conclusion about variant significance. To our knowledge, no occurrence of c.4285G>A in individuals affected with Von Willebrand Disease and no experimental evidence demonstrating its impact on protein function have been reported. No submitters have cited clinical-significance assessments for this variant to ClinVar. Based on the evidence outlined above, the variant was classified as uncertain significance.

NM_000552.5(VWF):c.4285G>A (p.Glu1429Lys)

Gene: VWF (von Willebrand factor; minus strand). Cytogenetic location: 12p13.31.
Variant type: single nucleotide variant.
Coding change: c.4285G>A on transcript NM_000552.5 (MANE Select); coding-DNA position 4285, G replaced by A.
Protein change: p.Glu1429Lys; replaces glutamic acid 1429 with lysine.
Molecular consequence: missense variant.
Genome position (GRCh38, 1-based): chr12:6,019,133, C>T on the plus strand (G>A on the coding strand, the complement: VWF is on the minus strand). VCF-style: chr12-6019133-C-T. GRCh37 (hg19) VCF-style: chr12-6128299-C-T.
Other names: c.4285G>A (NM_000552.4); short protein forms E1429K.
Identifiers: ClinVar variation 3375028 (VCV003375028.2).